The following is an entry in ClinVar:

ClinVar aggregate classification (germline): Uncertain significance (1 of 4 stars; one submission).

gnomAD v4.1: 1 of 1,613,554 alleles (0.000062%); highest among the groups gnomAD compares: Non-Finnish European, 0.000085%; no homozygotes.

Submission:

GeneDx
Classification: Uncertain significance. Last evaluated: 2024-07-16. Review status: criteria provided, single submitter. Criteria: GeneDx Variant Classification Process June 2021. Collection method: clinical testing. Allele origin: germline. Affected: yes.
Comment: Not observed at significant frequency in large population cohorts (gnomAD); Missense variant in a gene in which most reported pathogenic variants are truncating/loss of function; Has not been previously published as pathogenic or benign to our knowledge

NM_001267550.2(TTN):c.71943G>T (p.Glu23981Asp)

Genes: TTN (titin; minus strand), TTN-AS1 (TTN antisense RNA 1; plus strand). Cytogenetic location: 2q31.2.
Variant type: single nucleotide variant.
Coding change: c.71943G>T on transcript NM_001267550.2 (MANE Select); coding-DNA position 71943, G replaced by T.
Protein change: p.Glu23981Asp; replaces glutamic acid 23981 with aspartic acid.
Molecular consequence: missense variant.
Genome position (GRCh38, 1-based): chr2:178,574,189, C>A on the plus strand (G>T on the coding strand, the complement: TTN is on the minus strand). VCF-style: chr2-178574189-C-A. GRCh37 (hg19) VCF-style: chr2-179438916-C-A.
Other names: c.67020G>T, p.Glu22340Asp (NM_001256850.1); c.44748G>T, p.Glu14916Asp (NM_003319.4); c.64239G>T, p.Glu21413Asp (NM_133378.4); c.45123G>T, p.Glu15041Asp (NM_133432.3); c.45324G>T, p.Glu15108Asp (NM_133437.4); short protein forms E14916D, E15041D, E15108D, E21413D, E22340D, E23981D.
Identifiers: ClinVar variation 3573708 (VCV003573708.1).
Genomic context (GRCh38, chr2:178,574,189, plus strand): 5'-GGCGATCACACGGAATTCATATGCAGCATCTTCTGTTAGGCCACTGACTGTAAATTCATT[C>A]TCCAAAATGTTGCTGAAGTTGGCCTTCAGCCACCGTCCATTAGGAAGGTCTCTCTTTTCA-3'
Protein context (NP_001254479.2, residues 23971-23991): WLKANFSNIL[Glu23981Asp]NEFTVSGLTE